The following is an entry in ClinVar:

NM_017841.4(SDHAF2):c.295_296del (p.Glu99fs)

Gene: SDHAF2 (succinate dehydrogenase complex assembly factor 2; plus strand). Cytogenetic location: 11q12.2.
Variant type: Deletion.
Coding change: c.295_296del on transcript NM_017841.4 (MANE Select); coding-DNA positions 295 to 296, 2 bases deleted (GA; older notation c.295_296delGA).
Protein change: p.Glu99fs; shifts the reading frame from glutamic acid 99.
Molecular consequence: frameshift variant.
Genome position (GRCh38, 1-based): chr11:61,438,038-61,438,039, GA deleted; deleting any 2 consecutive bases within chr11:61,438,037-61,438,039 gives the same sequence; the c. name uses the placement nearest the transcript's 3' end. VCF-style (leftmost placement, unchanged base first): chr11-61438036-CAG-C. GRCh37 (hg19) VCF-style: chr11-61205508-CAG-C.
Other names: p.Glu99Lysfs*7; c.295_296delGA, p.Glu99Lysfs (NM_017841.2); short protein forms E99fs.
Identifiers: ClinVar variation 2683284 (VCV002683284.4), dbSNP rs2540124889, ClinGen allele CA2613853185.

ClinVar aggregate classification (germline): Pathogenic/Likely pathogenic. Review status: criteria provided, multiple submitters, no conflicts (2 of 4 stars). 2 submissions from 2 submitters: Pathogenic (1); Likely pathogenic (1). Last evaluated 2023-02-15.

Conditions:
Hereditary pheochromocytoma and paraganglioma. Also called: Hereditary Paraganglioma-Pheochromocytoma Syndromes; Hereditary pheochromocytoma-paraganglioma; Hereditary paragangliomas and pheochromocytomas. Identifiers: Orphanet 29072, MedGen C4274332, MONDO:0017366.

Submissions (2):

Mayo Clinic Laboratories, Mayo Clinic
Classification: Likely pathogenic. Last evaluated: 2023-02-15. Review status: criteria provided, single submitter. Criteria: ACMG Guidelines, 2015. Collection method: clinical testing. Allele origin: germline. Observed: 1 variant allele.
Comment: PM2, PVS1

Labcorp Genetics (formerly Invitae), Labcorp
Classification: Pathogenic for Hereditary pheochromocytoma and paraganglioma. Last evaluated: 2023-01-16. Review status: criteria provided, single submitter. Criteria: Invitae Variant Classification Sherloc (09022015). Collection method: clinical testing. Allele origin: germline.
Comment: For these reasons, this variant has been classified as Pathogenic. This variant has not been reported in the literature in individuals affected with SDHAF2-related conditions. This variant is not present in population databases (gnomAD no frequency). This sequence change creates a premature translational stop signal (p.Glu99Lysfs*7) in the SDHAF2 gene. It is expected to result in an absent or disrupted protein product. Loss-of-function variants in SDHAF2 are known to be pathogenic (PMID: 22241717, 26096992).

Literature cited by the submitters: PubMed 22241717 (cited by Labcorp Genetics (formerly Invitae), Labcorp); PubMed 26096992 (cited by Labcorp Genetics (formerly Invitae), Labcorp).